The following is an entry in ClinVar:

NM_005629.4(SLC6A8):c.1141+37G>A

Gene: SLC6A8 (solute carrier family 6 member 8; plus strand). Cytogenetic location: Xq28.
Variant type: single nucleotide variant.
Coding change: c.1141+37G>A on transcript NM_005629.4 (MANE Select); 37 bases into the intron after coding-DNA position 1141, G replaced by A.
Molecular consequence: intron variant.
Genome position (GRCh38, 1-based): chrX:153,693,623, G>A. VCF-style: chrX-153693623-G-A. GRCh37 (hg19) VCF-style: chrX-152959078-G-A.
Other names: NM_001142805.2:c.1111+37G>A; c.1111+37G>A (NM_001142805.2); c.796+37G>A (NM_001142806.1).
Identifiers: ClinVar variation 2570641 (VCV002570641.1), dbSNP rs2071028, ClinGen allele CA10549426.

ClinVar aggregate classification (germline): Benign (3 of 4 stars; one submission).

Conditions:
Creatine transporter deficiency (CCDS1). Also called: CEREBRAL CREATINE DEFICIENCY SYNDROME 1; Creatine Transporter (CRTR) Deficiency; Mental retardation , X-linked with seizures, short stature and midface hypoplasia; Mental retardation , X-linked, with creatine transport deficiency; X-linked creatine transporter deficiency; X-linked creatine deficiency syndrome. Identifiers: Orphanet 52503, MedGen C1845862, MONDO:0010305, OMIM 300352.

Allele frequency attached by ClinVar (database versions not stated): ExAC 0.10145; gnomAD 0.11809; TOPMed 0.12055; ESP Exome Variant Server 0.12695; 1000 Genomes Project 30x 0.13777; 1000 Genomes Project 0.13934.

Submission:

ClinGen Cerebral Creatine Deficiency Syndromes Variant Curation Expert Panel, ClinGen
Classification: Benign for Creatine transporter deficiency. Last evaluated: 2023-06-08. Review status: reviewed by expert panel. Criteria: ClinGen_CCDS_ACMG_Specifications_SLC6A8_v1.1. Collection method: curation. Allele origin: germline. Inheritance: X-linked inheritance.
Comment: The NM_005629.4:c.1141+37G>A variant is in intron 7 of SLC6A8. The highest population minor allele frequency in gnomAD v2.1.1 is 0.1931 (3670/19008 alleles; 952 hemizygotes and 265 homozygotes) in the African/African American population, which is higher than the ClinGen CCDS VCEP’s threshold for BA1 (>0.002), and therefore meets this criterion (BA1). The computational predictor SpliceAI predicts that the variant has no effect on SLC6A8 splicing (BP4). In summary, this variants meets the criteria to be classified as benign for creatine transporter deficiency. SLC6A8-specific criteria applied, as specified by the ClinGen CCDS VCEP (Specifications Version 1.1.0): BA1, BP4. (Classification approved by the ClinGen CCDS VCEP on June 8, 2023)